The following is an entry in ClinVar:

NM_001080.3(ALDH5A1):c.637C>T (p.Arg213Trp)

Gene: ALDH5A1 (aldehyde dehydrogenase 5 family member A1; plus strand). Cytogenetic location: 6p22.3.
Variant type: single nucleotide variant.
Coding change: c.637C>T on transcript NM_001080.3 (MANE Select); coding-DNA position 637, C replaced by T.
Protein change: p.Arg213Trp; replaces arginine 213 with tryptophan.
Molecular consequence: missense variant.
Genome position (GRCh38, 1-based): chr6:24,504,896, C>T. VCF-style: chr6-24504896-C-T. GRCh37 (hg19) VCF-style: chr6-24505124-C-T.
Other names: c.637C>T, p.Arg213Trp (NM_001368954.1, NM_170740.1); short protein forms R213W.
Identifiers: ClinVar variation 1946203 (VCV001946203.5), dbSNP rs774041089, ClinGen allele CA3656681.

ClinVar aggregate classification (germline): Conflicting classifications of pathogenicity. Review status: criteria provided, conflicting classifications (1 of 4 stars). 4 submissions from 4 submitters: Likely pathogenic (1); Uncertain significance (3). Last evaluated 2024-01-08.

Conditions:
Succinate-semialdehyde dehydrogenase deficiency (SSADHD). Also called: Succinic Semialdehyde Dehydrogenase Deficiency; SSADH DEFICIENCY; 4-HYDROXYBUTYRIC ACIDURIA; GABA METABOLIC DEFECT. Identifiers: Orphanet 22, MedGen C0268631, MONDO:0010083, OMIM 271980.

Allele frequency attached by ClinVar (database versions not stated): gnomAD exomes below 0.00001; ExAC 0.00001; gnomAD 0.00001.
gnomAD v4.1: 5 of 1,614,074 alleles (0.00031%); highest among the groups gnomAD compares: South Asian, 0.0033%; no homozygotes.

Submissions (4):

Illumina Laboratory Services, Illumina
Classification: Likely pathogenic for Succinate-semialdehyde dehydrogenase deficiency. Last evaluated: 2024-01-08. Review status: criteria provided, single submitter. Criteria: ICSLVariantClassificationCriteria RUGD 01 April 2020. Collection method: clinical testing. Allele origin: unknown.
Comment: The ALDH5A1 c.637C>T p.(Arg213Trp) missense variant has been identified in trans with a pathogenic variant in a proband with a phenotype consistent with succinic semialdehyde dehydrogenase (SSADH) deficiency (PMID: 38862963). This variant is not observed at a significant frequency in version 2.1.1 or version 4.0.0 of the Genome Aggregation Database. This variant is located in the NAD+ binding domain (PMID: 33203024). Additionally, different amino acid substitutions at the same codon, p.(Arg213Leu), p.(Arg213Gly), have been reported in individuals with SSADH deficiency (PMID: 28186584; 32402538). Based on the available evidence, the c.637C>T p.(Arg213Trp) variant is classified as likely pathogenic for SSADH deficiency.

Laboratory of Metabolic Disorders, Peking University First Hospital
Classification: Uncertain significance for Succinate-semialdehyde dehydrogenase deficiency. Last evaluated: 2023-06-24. Review status: criteria provided, single submitter. Criteria: ACMG Guidelines, 2015. Collection method: clinical testing. Allele origin: inherited. Affected: yes.

Labcorp Genetics (formerly Invitae), Labcorp
Classification: Uncertain significance for Succinate-semialdehyde dehydrogenase deficiency. Last evaluated: 2022-03-06. Review status: criteria provided, single submitter. Criteria: Invitae Variant Classification Sherloc (09022015). Collection method: clinical testing. Allele origin: germline.
Comment: This sequence change replaces arginine, which is basic and polar, with tryptophan, which is neutral and slightly polar, at codon 213 of the ALDH5A1 protein (p.Arg213Trp). This variant is present in population databases (rs774041089, gnomAD 0.006%). This variant has not been reported in the literature in individuals affected with ALDH5A1-related conditions. Advanced modeling of protein sequence and biophysical properties (such as structural, functional, and spatial information, amino acid conservation, physicochemical variation, residue mobility, and thermodynamic stability) performed at Invitae indicates that this missense variant is expected to disrupt ALDH5A1 protein function. In summary, the available evidence is currently insufficient to determine the role of this variant in disease. Therefore, it has been classified as a Variant of Uncertain Significance.

Neuberg Centre For Genomic Medicine, NCGM
Classification: Uncertain significance for Succinate-semialdehyde dehydrogenase deficiency. Review status: criteria provided, single submitter. Criteria: ACMG Guidelines, 2015. Collection method: clinical testing. Allele origin: germline. Inheritance: Autosomal recessive inheritance. Affected: yes.
Comment: The missense variant p.R213W in ALDH5A1 (NM_001080.3) has not been reported previously as a pathogenic variant nor as a benign variant, to our knowledge. The p.R213W variant is observed in 2/30,616 (0.0065%) alleles from individuals of South Asian background in gnomAD Exomes and is novel (not in any individuals) in 1000 Genomes. In silico tools predict the variant to be damaging and the residue is poorly conserved across species. For these reasons, this variant has been classified as Uncertain Significance.

Literature cited by the submitters: PubMed 38862963 (cited by Illumina Laboratory Services, Illumina); PubMed 28186584 (cited by Illumina Laboratory Services, Illumina); PubMed 32402538 (cited by Illumina Laboratory Services, Illumina).